The following is an entry in ClinVar:

NM_002439.5(MSH3):c.3394C>T (p.Gln1132Ter)

Gene: MSH3 (mutS homolog 3; plus strand). Cytogenetic location: 5q14.1.
Variant type: single nucleotide variant.
Coding change: c.3394C>T on transcript NM_002439.5 (MANE Select); coding-DNA position 3394, C replaced by T.
Protein change: p.Gln1132Ter; replaces glutamine 1132 with a stop codon.
Molecular consequence: nonsense.
Genome position (GRCh38, 1-based): chr5:80,875,842, C>T. VCF-style: chr5-80875842-C-T. GRCh37 (hg19) VCF-style: chr5-80171661-C-T.
Other names: short protein forms Q1132*.
Identifiers: ClinVar variation 1730937 (VCV001730937.2), dbSNP rs1157191855, ClinGen allele CA360347477.

ClinVar aggregate classification (germline): Uncertain significance (1 of 4 stars; one submission).

Conditions:
Hereditary cancer-predisposing syndrome. Also called: Neoplastic Syndromes, Hereditary; Tumor predisposition; Hereditary Cancer Syndrome; Hereditary neoplastic syndrome. Identifiers: Orphanet 140162, MedGen C0027672, MeSH D009386, MONDO:0015356.

Submission:

Ambry Genetics
Classification: Uncertain significance for Hereditary cancer-predisposing syndrome. Last evaluated: 2022-06-30. Review status: criteria provided, single submitter. Criteria: Ambry Variant Classification Scheme 2023. Collection method: clinical testing. Allele origin: germline.
Comment: The p.Q1132* variant (also known as c.3394C>T), located in coding exon 24 of the MSH3 gene, results from a C to T substitution at nucleotide position 3394. This alteration occurs at the 3' terminus of theMSH3 gene, is not expected to trigger nonsense-mediated mRNAdecay, and only impacts the last six amino acids of the protein. The exact functional effect of this alteration is unknown. Since supporting evidence is limited at this time, the clinical significance of this alteration remains unclear.